The following is an entry in ClinVar:

NM_003722.5(TP63):c.1583dup (p.Leu529fs)

Gene: TP63 (tumor protein p63; plus strand). Cytogenetic location: 3q28.
Variant type: Duplication.
Coding change: c.1583dup on transcript NM_003722.5 (MANE Select); coding-DNA position 1583, one base duplicated (C; older notation c.1583dupC).
Protein change: p.Leu529fs; shifts the reading frame from leucine 529.
Molecular consequence: frameshift variant. On other transcripts: intron variant (4).
Genome position (GRCh38, 1-based): chr3:189,889,415, C duplicated; the last of 5 consecutive C bases (chr3:189,889,411-189,889,415); duplicating any one gives the same sequence. VCF-style (leftmost placement, unchanged base first): chr3-189889410-T-TC. GRCh37 (hg19) VCF-style: chr3-189607199-T-TC.
Other names: c.1046dup, p.Leu350fs (NM_001329146.2); c.1571dup, p.Leu525fs (NM_001329148.2); c.1577dup, p.Leu527fs (NM_001329964.2); c.1507+2864dup (NM_001329144.2); c.1225+2864dup (NM_001329145.2); c.1213+2864dup (NM_001329149.2); c.958+2864dup (NM_001329150.2); c.1583dup, p.Leu529fs (NM_001114978.2); and 1 more; short protein forms L529fs, L350fs, L527fs, L435fs, L525fs.
Identifiers: ClinVar variation 1454691 (VCV001454691.7), dbSNP rs2108861558, ClinGen allele CA2573136818.

ClinVar aggregate classification (germline): Pathogenic (1 of 4 stars; one submission).

Conditions:
TP63-Related Spectrum Disorders.

Submission:

Labcorp Genetics (formerly Invitae), Labcorp
Classification: Pathogenic. Last evaluated: 2021-04-08. Review status: criteria provided, single submitter. Criteria: Invitae Variant Classification Sherloc (09022015). Collection method: clinical testing. Allele origin: germline.
Comment: For these reasons, this variant has been classified as Pathogenic. This sequence change creates a premature translational stop signal (p.Leu529Thrfs*49) in the TP63 gene. While this is not anticipated to result in nonsense mediated decay, it is expected to disrupt the last 152 amino acid(s) of the TP63 protein. This variant is not present in population databases (ExAC no frequency). This variant has not been reported in the literature in individuals with TP63-related conditions. This variant disrupts the C-terminus of the TP63 protein. Other variant(s) that disrupt this region (p.Trp658*) have been determined to be pathogenic (Invitae). This suggests that variants that disrupt this region of the protein are likely to be causative of disease.